The following is an entry in ClinVar:

ClinVar aggregate classification (germline): Uncertain significance. Review status: criteria provided, multiple submitters, no conflicts (2 of 4 stars). 2 submissions from 2 submitters: Uncertain significance (2). Last evaluated 2023-12-02.

Conditions:
Familial hemophagocytic lymphohistiocytosis 5. Also called: STXBP2-Related Familial Hemophagocytic Lymphohistiocytosis (STXBP2-fHLH). Identifiers: Orphanet 540, MedGen C2751293, MONDO:0013135, OMIM 613101.

Allele frequency attached by ClinVar (database versions not stated): gnomAD exomes 0.00001.
gnomAD v4.1: 21 of 1,613,444 alleles (0.0013%); highest among the groups gnomAD compares: Non-Finnish European, 0.0016%; no homozygotes.

Submissions (2):

Labcorp Genetics (formerly Invitae), Labcorp
Classification: Uncertain significance for Familial hemophagocytic lymphohistiocytosis 5. Last evaluated: 2023-12-02. Review status: criteria provided, single submitter. Criteria: Invitae Variant Classification Sherloc (09022015). Collection method: clinical testing. Allele origin: germline.
Comment: This sequence change falls in intron 10 of the STXBP2 gene. It does not directly change the encoded amino acid sequence of the STXBP2 protein. It affects a nucleotide within the consensus splice site. This variant is present in population databases (no rsID available, gnomAD 0.002%). This variant has not been reported in the literature in individuals affected with STXBP2-related conditions. ClinVar contains an entry for this variant (Variation ID: 967594). Variants that disrupt the consensus splice site are a relatively common cause of aberrant splicing (PMID: 17576681, 9536098). Algorithms developed to predict the effect of sequence changes on RNA splicing suggest that this variant may disrupt the consensus splice site. In summary, the available evidence is currently insufficient to determine the role of this variant in disease. Therefore, it has been classified as a Variant of Uncertain Significance.

Women's Health and Genetics/Laboratory Corporation of America, LabCorp
Classification: Uncertain significance. Last evaluated: 2023-07-03. Review status: criteria provided, single submitter. Criteria: LabCorp Variant Classification Summary - May 2015. Collection method: clinical testing. Allele origin: germline.

Literature cited by the submitters: PubMed 17576681 (cited by Labcorp Genetics (formerly Invitae), Labcorp); PubMed 9536098 (cited by Labcorp Genetics (formerly Invitae), Labcorp).

NM_006949.4(STXBP2):c.902+4C>T

Gene: STXBP2 (syntaxin binding protein 2; plus strand). Cytogenetic location: 19p13.2.
Variant type: single nucleotide variant.
Coding change: c.902+4C>T on transcript NM_006949.4 (MANE Select); 4 bases into the intron after coding-DNA position 902, C replaced by T.
Molecular consequence: intron variant.
Genome position (GRCh38, 1-based): chr19:7,642,540, C>T. VCF-style: chr19-7642540-C-T. GRCh37 (hg19) VCF-style: chr19-7707426-C-T.
Other names: c.935+4C>T (NM_001272034.2); c.893+4C>T (NM_001127396.3).
Identifiers: ClinVar variation 967594 (VCV000967594.10), dbSNP rs1349313045, ClinGen allele CA631702242.